The following is an entry in ClinVar:

NM_001329752.2(FAM136A):c.385C>G (p.Pro129Ala)

Gene: FAM136A (family with sequence similarity 136 member A; minus strand). Cytogenetic location: 2p13.3.
Variant type: single nucleotide variant.
Coding change: c.385C>G on transcript NM_001329752.2 (MANE Select); coding-DNA position 385, C replaced by G.
Protein change: p.Pro129Ala; replaces proline 129 with alanine.
Molecular consequence: missense variant. On other transcripts: intron variant (5).
Genome position (GRCh38, 1-based): chr2:70,301,627, G>C on the plus strand (C>G on the coding strand, the complement: FAM136A is on the minus strand). VCF-style: chr2-70301627-G-C. GRCh37 (hg19) VCF-style: chr2-70528759-G-C.
Other names: c.87+298C>G (NM_032822.3); c.-88-24C>G (NM_001329758.2); c.-202-24C>G (NM_001329757.2); c.-629-24C>G (NM_001329755.2); c.342+43C>G (NM_001329753.2); short protein forms P129A.
Identifiers: ClinVar variation 3039497 (VCV003039497.2), dbSNP rs566955361, ClinGen allele CA1698538.

ClinVar aggregate classification (germline): Likely benign (0 of 4 stars; one submission).

Conditions:
FAM136A-related disorder. Also called: FAM136A-related condition.

Allele frequency attached by ClinVar (database versions not stated): ExAC 0.00017; TOPMed 0.00144; 1000 Genomes Project 0.00180; 1000 Genomes Project 30x 0.00187.
gnomAD v4.1: 333 of 1,535,912 alleles (0.022%); highest among the groups gnomAD compares: African/African-American, 0.41%; no homozygotes.

Submission:

PreventionGenetics, part of Exact Sciences
Classification: Likely benign for FAM136A-related condition. Last evaluated: 2019-05-20. Review status: no assertion criteria provided. Collection method: clinical testing. Allele origin: germline.
Comment: This variant is classified as likely benign based on ACMG/AMP sequence variant interpretation guidelines (Richards et al. 2015 PMID: 25741868, with internal and published modifications).